The following is an entry in ClinVar:

ClinVar aggregate classification (germline): Conflicting classifications of pathogenicity. Review status: criteria provided, conflicting classifications (1 of 4 stars). 7 submissions from 7 submitters: Uncertain significance (2); Benign (1); Likely benign (2). 2 of the submissions do not count toward it. Last evaluated 2026-06-01.

Conditions:
BNAR syndrome. Also called: Bifid Nose With or Without Anorectal and Renal Anomalies (BNAR) Syndrome. Identifiers: Orphanet 217266, MedGen C2750433, MONDO:0012165, OMIM 608980.
Oculotrichoanal syndrome (MOTA). Also called: Manitoba Oculotrichoanal (MOTA) Syndrome; MARLES SYNDROME. Identifiers: Orphanet 2717, MedGen C1855425, MONDO:0009560, OMIM 248450.

Allele frequency attached by ClinVar (database versions not stated): 1000 Genomes Project 30x 0.00016; ExAC 0.00093; gnomAD exomes 0.00103 and 0.00167; TOPMed 0.00112; gnomAD 0.00113 and 0.00119; ESP Exome Variant Server 0.00165.
gnomAD v4.1: 2,581 of 1,610,470 alleles (0.16%); highest among the groups gnomAD compares: Non-Finnish European, 0.2%; 1 homozygote.

Submissions (7):

CeGaT Center for Human Genetics Tuebingen
Classification: Likely benign. Last evaluated: 2026-06-01. Review status: criteria provided, single submitter. Criteria: CeGaT Center For Human Genetics Tuebingen Variant Classification Criteria Version 2. Collection method: clinical testing. Allele origin: germline. Affected: yes. Observed: 2 variant alleles.
Comment: FREM1: BP4, BP7

Labcorp Genetics (formerly Invitae), Labcorp
Classification: Benign. Last evaluated: 2026-01-12. Review status: criteria provided, single submitter. Criteria: Invitae Variant Classification Sherloc (09022015). Collection method: clinical testing. Allele origin: germline.

Blueprint Genetics
Classification: Likely benign. Last evaluated: 2024-10-25. Review status: criteria provided, single submitter. Criteria: ACMG Guidelines, 2015. Collection method: clinical testing. Allele origin: germline.

Illumina Laboratory Services, Illumina
Classification: Uncertain significance for Oculotrichoanal syndrome. Last evaluated: 2018-01-12. Review status: criteria provided, single submitter. Criteria: ICSL Variant Classification Criteria 13 December 2019. Collection method: clinical testing. Allele origin: germline.

Institute of Human Genetics, University Hospital of Duesseldorf
Classification: Uncertain significance for BNAR syndrome. Review status: criteria provided, single submitter. Criteria: ACMG Guidelines, 2015. Collection method: not provided. Allele origin: germline. Inheritance: Autosomal recessive inheritance. Affected: yes.

Clinical Genetics DNA and cytogenetics Diagnostics Lab, Erasmus MC, Erasmus Medical Center
Classification: Likely benign. Review status: no assertion criteria provided. Collection method: clinical testing. Allele origin: germline. Affected: yes. Study: VKGL Data-share Consensus. Not counted in ClinVar's aggregate classification.

Genome Diagnostics Laboratory, University Medical Center Utrecht
Classification: Likely benign. Review status: no assertion criteria provided. Collection method: clinical testing. Allele origin: germline. Affected: yes. Study: VKGL Data-share Consensus. Not counted in ClinVar's aggregate classification.

NM_001379081.2(FREM1):c.6258C>T (p.Tyr2086=)

Gene: FREM1 (FRAS1 related extracellular matrix 1; minus strand). Cytogenetic location: 9p22.3.
Variant type: single nucleotide variant.
Coding change: c.6258C>T on transcript NM_001379081.2 (MANE Select); coding-DNA position 6258, C replaced by T.
Protein change: p.Tyr2086=; no amino-acid change (tyrosine 2086 retained).
Molecular consequence: synonymous variant. On other transcripts: missense variant (1), non-coding transcript variant (3).
Genome position (GRCh38, 1-based): chr9:14,740,231, G>A on the plus strand (C>T on the coding strand, the complement: FREM1 is on the minus strand). VCF-style: chr9-14740231-G-A. GRCh37 (hg19) VCF-style: chr9-14740229-G-A.
Other names: c.1866C>T, p.Tyr622= (NM_001177704.3, NM_001370061.2); c.1600C>T, p.Pro534Ser (NM_001370058.2); c.6258C>T, p.Tyr2086= (NM_144966.7); short protein forms P534S.
Identifiers: ClinVar variation 730988 (VCV000730988.33), dbSNP rs187325866, ClinGen allele CA4989463.